The following is an entry in ClinVar:

ClinVar aggregate classification (germline): Uncertain significance (1 of 4 stars; one submission).

Conditions:
Hereditary cancer-predisposing syndrome. Also called: Neoplastic Syndromes, Hereditary; Tumor predisposition; Hereditary neoplastic syndrome; Hereditary Cancer Syndrome. Identifiers: Orphanet 140162, MedGen C0027672, MeSH D009386, MONDO:0015356.
Cardiovascular phenotype. Identifiers: MedGen CN230736.

Submission:

Ambry Genetics
Classification: Uncertain significance for Cardiovascular phenotype; Hereditary cancer-predisposing syndrome. Last evaluated: 2023-09-14. Review status: criteria provided, single submitter. Criteria: Ambry Variant Classification Scheme 2023. Collection method: clinical testing. Allele origin: germline.
Comment: The p.P679L variant (also known as c.2036C>T), located in coding exon 17 of the LZTR1 gene, results from a C to T substitution at nucleotide position 2036. The proline at codon 679 is replaced by leucine, an amino acid with similar properties. This amino acid position is conserved. In addition, this alteration is predicted to be deleterious by in silico analysis. Since supporting evidence is limited at this time, the clinical significance of this alteration remains unclear.

NM_006767.4(LZTR1):c.2036C>T (p.Pro679Leu)

Gene: LZTR1 (leucine zipper like post translational regulator 1; plus strand). Cytogenetic location: 22q11.21.
Variant type: single nucleotide variant.
Coding change: c.2036C>T on transcript NM_006767.4 (MANE Select); coding-DNA position 2036, C replaced by T.
Protein change: p.Pro679Leu; replaces proline 679 with leucine.
Molecular consequence: missense variant.
Genome position (GRCh38, 1-based): chr22:20,995,839, C>T. VCF-style: chr22-20995839-C-T. GRCh37 (hg19) VCF-style: chr22-21350128-C-T.
Other names: short protein forms P679L.
Identifiers: ClinVar variation 3238193 (VCV003238193.1), dbSNP rs2518624027.
Genomic context (GRCh38, chr22:20,995,839, plus strand): 5'-TGGAGGGAGCGGGCGCGGAATTCTGTGACATCACTCTGTTGCTTGACGGGCACCCACGGC[C>T]AGCCCACAAGGCTATCCTGGCCGCCCGCTCCAGGTGGGTGGGGGCTGGACAGGAGGGGAG-3'
Protein context (NP_006758.2, residues 669-689): ITLLLDGHPR[Pro679Leu]AHKAILAARS